The following is an entry in ClinVar:

ClinVar aggregate classification (germline): Uncertain significance (1 of 4 stars; one submission).

Conditions:
Hereditary pancreatitis (PCTT). Also called: Hereditary chronic pancreatitis; PRSS1-Related Hereditary Pancreatitis. Identifiers: Orphanet 676, MedGen C0238339, MONDO:0008185, OMIM 167800.

Submission:

Ambry Genetics
Classification: Uncertain significance for Hereditary pancreatitis. Last evaluated: 2024-03-16. Review status: criteria provided, single submitter. Criteria: Ambry Variant Classification Scheme 2023. Collection method: clinical testing. Allele origin: germline.
Comment: The p.W113C variant (also known as c.339G>C), located in coding exon 4 of the CTRC gene, results from a G to C substitution at nucleotide position 339. The tryptophan at codon 113 is replaced by cysteine, an amino acid with highly dissimilar properties. This amino acid position is conserved. In addition, this alteration is predicted to be tolerated by in silico analysis. Based on the available evidence, the clinical significance of this alteration remains unclear.

NM_007272.3(CTRC):c.339G>C (p.Trp113Cys)

Gene: CTRC (chymotrypsin C; plus strand). Cytogenetic location: 1p36.21.
Variant type: single nucleotide variant.
Coding change: c.339G>C on transcript NM_007272.3 (MANE Select); coding-DNA position 339, G replaced by C.
Protein change: p.Trp113Cys; replaces tryptophan 113 with cysteine.
Molecular consequence: missense variant.
Genome position (GRCh38, 1-based): chr1:15,442,555, G>C. VCF-style: chr1-15442555-G-C. GRCh37 (hg19) VCF-style: chr1-15769051-G-C.
Other names: short protein forms W113C.
Identifiers: ClinVar variation 3270176 (VCV003270176.1).